The following is an entry in ClinVar:

ClinVar aggregate classification (germline): Uncertain significance. Review status: criteria provided, multiple submitters, no conflicts (2 of 4 stars). 2 submissions from 2 submitters: Uncertain significance (2). Last evaluated 2025-10-02.

Submissions (2):

Ambry Genetics
Classification: Uncertain significance. Last evaluated: 2025-10-02. Review status: criteria provided, single submitter. Criteria: Ambry Variant Classification Scheme 2023. Collection method: clinical testing. Allele origin: germline.

Labcorp Genetics (formerly Invitae), Labcorp
Classification: Uncertain significance. Last evaluated: 2023-12-18. Review status: criteria provided, single submitter. Criteria: Invitae Variant Classification Sherloc (09022015). Collection method: clinical testing. Allele origin: germline.
Comment: This sequence change replaces valine, which is neutral and non-polar, with phenylalanine, which is neutral and non-polar, at codon 267 of the CEP97 protein (p.Val267Phe). This variant is not present in population databases (gnomAD no frequency). This variant has not been reported in the literature in individuals affected with CEP97-related conditions. ClinVar contains an entry for this variant (Variation ID: 2122072). Advanced modeling of protein sequence and biophysical properties (such as structural, functional, and spatial information, amino acid conservation, physicochemical variation, residue mobility, and thermodynamic stability) performed at Invitae indicates that this missense variant is expected to disrupt CEP97 protein function with a positive predictive value of 80%. In summary, the available evidence is currently insufficient to determine the role of this variant in disease. Therefore, it has been classified as a Variant of Uncertain Significance.

NM_024548.4(CEP97):c.799G>T (p.Val267Phe)

Gene: CEP97 (centrosomal protein 97; plus strand). Cytogenetic location: 3q12.3.
Variant type: single nucleotide variant.
Coding change: c.799G>T on transcript NM_024548.4 (MANE Select); coding-DNA position 799, G replaced by T.
Protein change: p.Val267Phe; replaces valine 267 with phenylalanine.
Molecular consequence: missense variant.
Genome position (GRCh38, 1-based): chr3:101,755,500, G>T. VCF-style: chr3-101755500-G-T. GRCh37 (hg19) VCF-style: chr3-101474344-G-T.
Other names: c.799G>T, p.Val267Phe (NM_001303401.2); c.697G>T, p.Val233Phe (NM_001410784.1, NM_001410785.1); c.799G>T (NM_024548.2); short protein forms V233F, V267F.
Identifiers: ClinVar variation 2122072 (VCV002122072.5), dbSNP rs2545843447, ClinGen allele CA353873963.